The following is an entry in ClinVar:

NM_138773.4(SLC25A46):c.384+280G>C

Gene: SLC25A46 (solute carrier family 25 member 46; plus strand). Cytogenetic location: 5q22.1.
Variant type: single nucleotide variant.
Coding change: c.384+280G>C on transcript NM_138773.4 (MANE Select); 280 bases into the intron after coding-DNA position 384, G replaced by C.
Molecular consequence: intron variant.
Genome position (GRCh38, 1-based): chr5:110,744,067, G>C. VCF-style: chr5-110744067-G-C. GRCh37 (hg19) VCF-style: chr5-110079768-G-C.
Other names: c.111+280G>C (NM_001303250.3); c.384+280G>C (NM_001303249.3).
Identifiers: ClinVar variation 673797 (VCV000673797.1), dbSNP rs73230120, ClinGen allele CA125343084.
Genomic context (GRCh38, chr5:110,744,067, plus strand): 5'-ATTAAAATTGGGAAAATTTCAATGCATCTATATAATTCATTAAAATAATAACACCTGTTA[G>C]TAAGATAATATGTTTTTATGAAAGTAACTATTTTGCATTTTTGCAAATATCTTTAATATC-3'

ClinVar aggregate classification (germline): Benign (1 of 4 stars; one submission).

Allele frequency attached by ClinVar (database versions not stated): gnomAD 0.04274 and 0.04599; 1000 Genomes Project 0.04413; 1000 Genomes Project 30x 0.04747; TOPMed 0.04851.
gnomAD v4.1: 6,447 of 152,216 alleles (4.2%); highest among the groups gnomAD compares: African/African-American, 15%; 445 homozygotes.

Submission:

GeneDx
Classification: Benign. Last evaluated: 2018-06-16. Review status: criteria provided, single submitter. Criteria: GeneDx Variant Classification (06012015). Collection method: clinical testing. Allele origin: germline. Affected: yes.
Comment: This variant is considered likely benign or benign based on one or more of the following criteria: it is a conservative change, it occurs at a poorly conserved position in the protein, it is predicted to be benign by multiple in silico algorithms, and/or has population frequency not consistent with disease.